The following is an entry in ClinVar:

ClinVar aggregate classification (germline): Benign. Review status: criteria provided, multiple submitters, no conflicts (2 of 4 stars). 2 submissions from 2 submitters: Benign (2). Last evaluated 2019-10-16.

Allele frequency attached by ClinVar (database versions not stated): 1000 Genomes Project 0.02456; 1000 Genomes Project 30x 0.02592; gnomAD 0.04674 and 0.04814; TOPMed 0.04734; ESP Exome Variant Server 0.05130; ExAC 0.04989; gnomAD exomes 0.05090.
gnomAD v4.1: 94,285 of 1,613,912 alleles (5.8%); highest among the groups gnomAD compares: Middle Eastern, 13%; 3,262 homozygotes.

Submissions (2):

GeneDx
Classification: Benign. Last evaluated: 2019-10-16. Review status: criteria provided, single submitter. Criteria: GeneDx Variant Classification Process June 2021. Collection method: clinical testing. Allele origin: germline. Affected: yes.
Comment: This variant is associated with the following publications: (PMID: 24024896, 25896536)

Breakthrough Genomics
Classification: Benign. Review status: criteria provided, single submitter. Criteria: ACMG Guidelines, 2015. Collection method: not provided. Allele origin: germline. Inheritance: Autosomal dominant inheritance. Affected: yes.

NM_001370497.1(ABCC11):c.1637C>T (p.Thr546Met)

Gene: ABCC11 (ATP binding cassette subfamily C member 11; minus strand). Cytogenetic location: 16q12.1.
Variant type: single nucleotide variant.
Coding change: c.1637C>T on transcript NM_001370497.1 (MANE Select); coding-DNA position 1637, C replaced by T.
Protein change: p.Thr546Met; replaces threonine 546 with methionine.
Molecular consequence: missense variant.
Genome position (GRCh38, 1-based): chr16:48,208,468, G>A on the plus strand (C>T on the coding strand, the complement: ABCC11 is on the minus strand). VCF-style: chr16-48208468-G-A. GRCh37 (hg19) VCF-style: chr16-48242379-G-A.
Other names: c.1637C>T, p.Thr546Met (NM_001370496.1, NM_032583.4, NM_033151.4 and 1 more transcripts); short protein forms T546M.
Identifiers: ClinVar variation 1270861 (VCV001270861.2), dbSNP rs17822471, ClinGen allele CA8043810.